The following is an entry in ClinVar:

ClinVar aggregate classification (germline): Pathogenic/Likely pathogenic. Review status: criteria provided, multiple submitters, no conflicts (2 of 4 stars). 2 submissions from 2 submitters: Pathogenic (1); Likely pathogenic (1). Last evaluated 2024-05-13.

Conditions:
Zellweger spectrum disorders (ZS). Also called: Zellweger syndrome; Zellweger Spectrum Disorder (ZSD); Zellweger Spectrum Disorder; Zellweger Spectrum. Identifiers: Orphanet 912, MedGen C0043459, MONDO:0019609.

Allele frequency attached by ClinVar (database versions not stated): TOPMed 0.00001.

Submissions (2):

Natera, Inc.
Classification: Likely pathogenic for Zellweger syndrome. Last evaluated: 2024-05-13. Review status: criteria provided, single submitter. Criteria: Natera Variant Classification Schema (03/2026). Collection method: clinical testing. Allele origin: germline.
Comment: The c.2788C>T variant in PEX1 is a nonsense variant predicted to introduce a stop codon at amino acid 930. This variant is expected to result in nonsense mediated decay, truncation, or a dysfunctional protein product. This variant is rare in the general population with a frequency below the threshold expected for the associated phenotype(s). Given the available evidence, this variant is classified as Likely Pathogenic.

Labcorp Genetics (formerly Invitae), Labcorp
Classification: Pathogenic for Zellweger spectrum disorders. Last evaluated: 2023-10-16. Review status: criteria provided, single submitter. Criteria: Invitae Variant Classification Sherloc (09022015). Collection method: clinical testing. Allele origin: germline.
Comment: This sequence change creates a premature translational stop signal (p.Gln930*) in the PEX1 gene. It is expected to result in an absent or disrupted protein product. Loss-of-function variants in PEX1 are known to be pathogenic (PMID: 21031596, 26387595, 31831025). This variant is not present in population databases (gnomAD no frequency). This variant has not been reported in the literature in individuals affected with PEX1-related conditions. For these reasons, this variant has been classified as Pathogenic.

Literature cited by the submitters: PubMed 21031596 (cited by Labcorp Genetics (formerly Invitae), Labcorp); PubMed 26387595 (cited by Labcorp Genetics (formerly Invitae), Labcorp); PubMed 31831025 (cited by Labcorp Genetics (formerly Invitae), Labcorp).

NM_000466.3(PEX1):c.2788C>T (p.Gln930Ter)

Genes: PEX1 (peroxisomal biogenesis factor 1; minus strand), GATAD1 (GATA zinc finger domain containing 1; plus strand). Cytogenetic location: 7q21.2.
Variant type: single nucleotide variant.
Coding change: c.2788C>T on transcript NM_000466.3 (MANE Select); coding-DNA position 2788, C replaced by T.
Protein change: p.Gln930Ter; replaces glutamine 930 with a stop codon.
Molecular consequence: nonsense.
Genome position (GRCh38, 1-based): chr7:92,494,625, G>A on the plus strand (C>T on the coding strand, the complement: PEX1 is on the minus strand). VCF-style: chr7-92494625-G-A. GRCh37 (hg19) VCF-style: chr7-92123939-G-A.
Other names: c.2617C>T, p.Gln873Ter (NM_001282677.2); c.2164C>T, p.Gln722Ter (NM_001282678.2); c.2788C>T (NM_000466.2); short protein forms Q873*, Q722*, Q930*.
Identifiers: ClinVar variation 2769168 (VCV002769168.4), dbSNP rs1791556897, ClinGen allele CA368170245.